The following is an entry in ClinVar:

ClinVar aggregate classification (germline): Uncertain significance. Review status: criteria provided, multiple submitters, no conflicts (2 of 4 stars). 5 submissions from 5 submitters: Uncertain significance (3). 2 of the submissions do not count toward it. Last evaluated 2025-03-25.

Conditions:
Meckel-Gruber syndrome. Also called: DYSENCEPHALIA SPLANCHNOCYSTICA; GRUBER SYNDROME; Dysencephalia splachnocystica. Identifiers: Orphanet 564, MedGen C0265215, MONDO:0018921.
Joubert syndrome. Also called: JOUBERT-BOLTSHAUSER SYNDROME; Familial aplasia of the vermis. Identifiers: Orphanet 475, MedGen C5979921, MONDO:0018772.
Joubert syndrome 7 (JBTS7). Identifiers: Orphanet 220497, MedGen C1969053, MONDO:0012694, OMIM 611560.
Meckel syndrome, type 5 (MKS5). Identifiers: Orphanet 564, MedGen C1969052, MONDO:0012695, OMIM 611561.
COACH syndrome 3. Identifiers: MedGen C5436841, MONDO:0030862, OMIM 619113.
RPGRIP1L-related disorder. Also called: RPGRIP1L-related disorders; RPGRIP1L-related condition. Identifiers: MedGen CN239416.

Allele frequency attached by ClinVar (database versions not stated): gnomAD 0.00001; TOPMed 0.00002; ExAC 0.00003; gnomAD exomes 0.00003.
gnomAD v4.1: 65 of 1,601,780 alleles (0.0041%); highest among the groups gnomAD compares: South Asian, 0.021%; 1 homozygote.

Submissions (5):

Labcorp Genetics (formerly Invitae), Labcorp
Classification: Uncertain significance for Joubert syndrome; Meckel-Gruber syndrome. Last evaluated: 2025-03-25. Review status: criteria provided, single submitter. Criteria: Invitae Variant Classification Sherloc (09022015). Collection method: clinical testing. Allele origin: germline.
Comment: This sequence change replaces arginine, which is basic and polar, with cysteine, which is neutral and slightly polar, at codon 444 of the RPGRIP1L protein (p.Arg444Cys). This variant is present in population databases (no rsID available, gnomAD 0.01%). This variant has not been reported in the literature in individuals affected with RPGRIP1L-related conditions. ClinVar contains an entry for this variant (Variation ID: 992037). Invitae Evidence Modeling of protein sequence and biophysical properties (such as structural, functional, and spatial information, amino acid conservation, physicochemical variation, residue mobility, and thermodynamic stability) indicates that this missense variant is expected to disrupt RPGRIP1L protein function with a positive predictive value of 80%. In summary, the available evidence is currently insufficient to determine the role of this variant in disease. Therefore, it has been classified as a Variant of Uncertain Significance.

Fulgent Genetics
Classification: Uncertain significance for Joubert syndrome 7; Meckel syndrome, type 5; COACH syndrome 3. Last evaluated: 2024-01-20. Review status: criteria provided, single submitter. Criteria: ACMG Guidelines, 2015. Collection method: clinical testing. Allele origin: germline.

CeGaT Center for Human Genetics Tuebingen
Classification: Uncertain significance. Last evaluated: 2021-02-01. Review status: criteria provided, single submitter. Criteria: CeGaT Center For Human Genetics Tuebingen Variant Classification Criteria Version 2. Collection method: clinical testing. Allele origin: germline. Affected: yes. Observed: 1 variant allele.

PreventionGenetics, part of Exact Sciences
Classification: Uncertain significance for RPGRIP1L-related condition. Last evaluated: 2024-08-04. Review status: no assertion criteria provided. Collection method: clinical testing. Allele origin: germline. Not counted in ClinVar's aggregate classification.
Comment: The RPGRIP1L c.1330C>T variant is predicted to result in the amino acid substitution p.Arg444Cys. To our knowledge, this variant has not been reported in the literature. This variant is reported in 0.014% of alleles in individuals of South Asian descent in gnomAD. At this time, the clinical significance of this variant is uncertain due to the absence of conclusive functional and genetic evidence.

Natera, Inc.
Classification: Uncertain significance for Joubert syndrome. Last evaluated: 2020-11-06. Review status: no assertion criteria provided. Collection method: clinical testing. Allele origin: germline. Not counted in ClinVar's aggregate classification.

NM_015272.5(RPGRIP1L):c.1330C>T (p.Arg444Cys)

Gene: RPGRIP1L (RPGRIP1 like; minus strand). Cytogenetic location: 16q12.2.
Variant type: single nucleotide variant.
Coding change: c.1330C>T on transcript NM_015272.5 (MANE Select); coding-DNA position 1330, C replaced by T.
Protein change: p.Arg444Cys; replaces arginine 444 with cysteine.
Molecular consequence: missense variant.
Genome position (GRCh38, 1-based): chr16:53,658,792, G>A on the plus strand (C>T on the coding strand, the complement: RPGRIP1L is on the minus strand). VCF-style: chr16-53658792-G-A. GRCh37 (hg19) VCF-style: chr16-53692704-G-A.
Other names: c.1330C>T (NM_015272.4); c.1330C>T, p.Arg444Cys (NM_001127897.4, NM_001308334.3, NM_001330538.2); short protein forms R444C.
Identifiers: ClinVar variation 992037 (VCV000992037.41), dbSNP rs1296403401, ClinGen allele CA8057849.